The following is an entry in ClinVar:

NM_057175.5(NAA15):c.2440C>G (p.Leu814Val)

Gene: NAA15 (N-alpha-acetyltransferase 15, NatA auxiliary subunit; plus strand). Cytogenetic location: 4q31.1.
Variant type: single nucleotide variant.
Coding change: c.2440C>G on transcript NM_057175.5 (MANE Select); coding-DNA position 2440, C replaced by G.
Protein change: p.Leu814Val; replaces leucine 814 with valine.
Molecular consequence: missense variant.
Genome position (GRCh38, 1-based): chr4:139,387,923, C>G. VCF-style: chr4-139387923-C-G. GRCh37 (hg19) VCF-style: chr4-140309077-C-G.
Other names: c.2437C>G, p.Leu813Val (NM_001410842.1); short protein forms L813V, L814V.
Identifiers: ClinVar variation 4281807 (VCV004281807.1).

ClinVar aggregate classification (germline): Uncertain significance (1 of 4 stars; one submission).

Submission:

GeneDx
Classification: Uncertain significance. Last evaluated: 2025-04-16. Review status: criteria provided, single submitter. Criteria: GeneDx Variant Classification Process June 2021. Collection method: clinical testing. Allele origin: germline. Affected: yes.
Comment: Not observed at significant frequency in large population cohorts (gnomAD); In silico analysis indicates that this missense variant does not alter protein structure/function; Has not been previously published as pathogenic or benign to our knowledge